The following is an entry in ClinVar:

NM_032119.4(ADGRV1):c.17454+16A>G

Gene: ADGRV1 (adhesion G protein-coupled receptor V1; plus strand). Cytogenetic location: 5q14.3.
Variant type: single nucleotide variant.
Coding change: c.17454+16A>G on transcript NM_032119.4 (MANE Select); 16 bases into the intron after coding-DNA position 17454, A replaced by G.
Molecular consequence: intron variant.
Genome position (GRCh38, 1-based): chr5:90,853,549, A>G. VCF-style: chr5-90853549-A-G. GRCh37 (hg19) VCF-style: chr5-90149366-A-G.
Other names: c.17454+16A>G (NM_032119.3).
Identifiers: ClinVar variation 1180989 (VCV001180989.12), dbSNP rs200876463, ClinGen allele CA3342367.

ClinVar aggregate classification (germline): Likely benign. Review status: criteria provided, multiple submitters, no conflicts (2 of 4 stars). 4 submissions from 4 submitters: Likely benign (4). Last evaluated 2026-07-15.

Conditions:
ADGRV1-related disorder. Also called: ADGRV1-related disorders; ADGRV1-related condition.

Allele frequency attached by ClinVar (database versions not stated): gnomAD exomes 0.00004 and 0.00010; ExAC 0.00015; 1000 Genomes Project 30x 0.00016; 1000 Genomes Project 0.00020; gnomAD 0.00036 and 0.00038; TOPMed 0.00036; ESP Exome Variant Server 0.00042.
gnomAD v4.1: 110 of 1,602,600 alleles (0.0069%); highest among the groups gnomAD compares: African/African-American, 0.13%; no homozygotes.

Submissions (4):

PreventionGenetics, part of Exact Sciences
Classification: Likely benign for ADGRV1-related condition. Last evaluated: 2026-07-15. Review status: criteria provided, single submitter. Criteria: ACMG Guidelines, 2015. Collection method: clinical testing. Allele origin: germline.
Comment: This variant is classified as likely benign based on ACMG/AMP sequence variant interpretation guidelines (Richards et al. 2015 PMID: 25741868, with internal and published modifications).

Labcorp Genetics (formerly Invitae), Labcorp
Classification: Likely benign. Last evaluated: 2026-01-28. Review status: criteria provided, single submitter. Criteria: Invitae Variant Classification Sherloc (09022015). Collection method: clinical testing. Allele origin: germline.

Blueprint Genetics
Classification: Likely benign. Last evaluated: 2022-09-06. Review status: criteria provided, single submitter. Criteria: ACMG Guidelines, 2015. Collection method: clinical testing. Allele origin: germline.

GeneDx
Classification: Likely benign. Last evaluated: 2020-11-08. Review status: criteria provided, single submitter. Criteria: GeneDx Variant Classification Process June 2021. Collection method: clinical testing. Allele origin: germline. Affected: yes.